The following is an entry in ClinVar:

ClinVar aggregate classification (germline): Uncertain significance (1 of 4 stars; one submission).

Submission:

Labcorp Genetics (formerly Invitae), Labcorp
Classification: Uncertain significance. Last evaluated: 2022-02-11. Review status: criteria provided, single submitter. Criteria: Invitae Variant Classification Sherloc (09022015). Collection method: clinical testing. Allele origin: germline.
Comment: Algorithms developed to predict the effect of missense changes on protein structure and function (SIFT, PolyPhen-2, Align-GVGD) all suggest that this variant is likely to be tolerated. This variant has not been reported in the literature in individuals affected with SLC7A14-related conditions. This variant is not present in population databases (gnomAD no frequency). This sequence change replaces cysteine, which is neutral and slightly polar, with glycine, which is neutral and non-polar, at codon 481 of the SLC7A14 protein (p.Cys481Gly). Algorithms developed to predict the effect of sequence changes on RNA splicing suggest that this variant may create or strengthen a splice site. In summary, the available evidence is currently insufficient to determine the role of this variant in disease. Therefore, it has been classified as a Variant of Uncertain Significance.

NM_020949.3(SLC7A14):c.1441T>G (p.Cys481Gly)

Genes: SLC7A14-AS1 (SLC7A14 antisense RNA 1; plus strand), SLC7A14 (solute carrier family 7 member 14; minus strand). Cytogenetic location: 3q26.2.
Variant type: single nucleotide variant.
Coding change: c.1441T>G on transcript NM_020949.3 (MANE Select); coding-DNA position 1441, T replaced by G.
Protein change: p.Cys481Gly; replaces cysteine 481 with glycine.
Molecular consequence: missense variant.
Genome position (GRCh38, 1-based): chr3:170,480,841, A>C on the plus strand (T>G on the coding strand, the complement: SLC7A14 is on the minus strand). VCF-style: chr3-170480841-A-C. GRCh37 (hg19) VCF-style: chr3-170198630-A-C.
Other names: short protein forms C481G.
Identifiers: ClinVar variation 2096503 (VCV002096503.4), dbSNP rs2473367814, ClinGen allele CA355490252.
Genomic context (GRCh38, chr3:170,480,841, plus strand): 5'-TGTCTGATTTCCCTATGAGCATCTCATTGTCTCCCAAGGATGGTAAGTTCTTGGCCCCAC[A>C]TGTGTTGGTGGCTGGGCCAGAAAACTCATCCCCCTCACTCACAGGAGAACAAGCTTCCTT-3'
Protein context (NP_066000.2, residues 471-491): DEFSGPATNT[Cys481Gly]GAKNLPSLGD